The following is an entry in ClinVar:

ClinVar aggregate classification (germline): Pathogenic (1 of 4 stars; one submission).

Conditions:
Developmental and epileptic encephalopathy, 31A. Also called: Developmental and epileptic encephalopathy, 31; Epileptic encephalopathy, early infantile, 31. Identifiers: Orphanet 2382, MedGen C4225357, MONDO:0014598, OMIM 616346.

Submission:

Labcorp Genetics (formerly Invitae), Labcorp
Classification: Pathogenic for Developmental and epileptic encephalopathy, 31A. Last evaluated: 2022-09-19. Review status: criteria provided, single submitter. Criteria: Invitae Variant Classification Sherloc (09022015). Collection method: clinical testing. Allele origin: germline.
Comment: For these reasons, this variant has been classified as Pathogenic. This variant has not been reported in the literature in individuals affected with DNM1-related conditions. This variant is not present in population databases (gnomAD no frequency). This sequence change creates a premature translational stop signal (p.Trp542Cysfs*4) in the DNM1 gene. It is expected to result in an absent or disrupted protein product. Loss-of-function variants in DNM1 are known to be pathogenic (PMID: 34172529).

Literature cited by the submitters: PubMed 34172529.

NM_004408.4(DNM1):c.1626del (p.Trp542fs)

Gene: DNM1 (dynamin 1; plus strand). Cytogenetic location: 9q34.11.
Variant type: Deletion.
Coding change: c.1626del on transcript NM_004408.4 (MANE Select); coding-DNA position 1626, one base deleted (G; older notation c.1626delG).
Protein change: p.Trp542fs; shifts the reading frame from tryptophan 542.
Molecular consequence: frameshift variant.
Genome position (GRCh38, 1-based): chr9:128,242,300, G deleted; the last of 2 consecutive G bases (chr9:128,242,299-128,242,300); deleting either gives the same sequence. VCF-style (leftmost placement, unchanged base first): chr9-128242298-TG-T. GRCh37 (hg19) VCF-style: chr9-131004577-TG-T.
Other names: c.1626del, p.Trp542fs (NM_001005336.3, NM_001288737.2, NM_001288738.2 and 2 more transcripts); short protein forms W542fs.
Identifiers: ClinVar variation 2094695 (VCV002094695.4), dbSNP rs2539074151, ClinGen allele CA2580079643.